The following is an entry in ClinVar:

ClinVar aggregate classification (germline): Likely benign. Review status: criteria provided, multiple submitters, no conflicts (2 of 4 stars). 2 submissions from 2 submitters: Likely benign (2). Last evaluated 2026-05-01.

Conditions:
Amyotrophic lateral sclerosis type 21. Also called: VOCAL CORD AND PHARYNGEAL DYSFUNCTION WITH DISTAL MYOPATHY; MYOPATHY, DISTAL, 2. Identifiers: Orphanet 600, Orphanet 803, MedGen C3807521, MONDO:0011632, OMIM 606070.

gnomAD v4.1: 1 of 1,614,202 alleles (0.000062%); highest among the groups gnomAD compares: Admixed American, 0.0017%; no homozygotes.

Submissions (2):

CeGaT Center for Human Genetics Tuebingen
Classification: Likely benign. Last evaluated: 2026-05-01. Review status: criteria provided, single submitter. Criteria: CeGaT Center For Human Genetics Tuebingen Variant Classification Criteria Version 2. Collection method: clinical testing. Allele origin: germline. Affected: yes. Observed: 1 variant allele.
Comment: MATR3: BP4, BP7

Labcorp Genetics (formerly Invitae), Labcorp
Classification: Likely benign for Amyotrophic lateral sclerosis type 21. Last evaluated: 2025-12-21. Review status: criteria provided, single submitter. Criteria: Invitae Variant Classification Sherloc (09022015). Collection method: clinical testing. Allele origin: germline.

NM_018834.6(MATR3):c.1494A>T (p.Ile498=)

Gene: MATR3 (matrin 3; plus strand). Cytogenetic location: 5q31.2.
Variant type: single nucleotide variant.
Coding change: c.1494A>T on transcript NM_018834.6 (MANE Select); coding-DNA position 1494, A replaced by T.
Protein change: p.Ile498=; no amino-acid change (isoleucine 498 retained).
Molecular consequence: synonymous variant.
Genome position (GRCh38, 1-based): chr5:139,319,393, A>T. VCF-style: chr5-139319393-A-T. GRCh37 (hg19) VCF-style: chr5-138655082-A-T.
Other names: c.1494A>T, p.Ile498= (NM_001194954.2, NM_001194955.2, NM_001400441.1 and 16 more transcripts); c.630A>T, p.Ile210= (NM_001194956.2); c.480A>T, p.Ile160= (NM_001282278.2, NM_001400460.1, NM_001400462.1 and 5 more transcripts); c.633A>T, p.Ile211= (NM_001400459.1); c.594A>T, p.Ile198= (NM_001400461.1).
Identifiers: ClinVar variation 4770685 (VCV004770685.3).
Genomic context (GRCh38, chr5:139,319,393, plus strand): 5'-GAAACCTGAAGGAAAGCCAGATCAGAAGTTTGATCAAAAGCAAGAGCTTGGACGTGTGAT[A>T]CATCTCAGCAATTTGCCGCATTCTGGCTATTCTGATAGTGCTGTTCTCAAGCTTGCTGAG-3'
Protein context (NP_061322.2, residues 488-508): FDQKQELGRV[Ile498=]HLSNLPHSGY